The following is an entry in ClinVar:

NM_000814.6(GABRB3):c.208G>T (p.Ala70Ser)

Gene: GABRB3 (gamma-aminobutyric acid type A receptor subunit beta3; minus strand). Cytogenetic location: 15q12.
Variant type: single nucleotide variant.
Coding change: c.208G>T on transcript NM_000814.6 (MANE Select); coding-DNA position 208, G replaced by T.
Protein change: p.Ala70Ser; replaces alanine 70 with serine.
Molecular consequence: missense variant. On other transcripts: 5 prime UTR variant (1).
Genome position (GRCh38, 1-based): chr15:26,772,434, C>A on the plus strand (G>T on the coding strand, the complement: GABRB3 is on the minus strand). VCF-style: chr15-26772434-C-A. GRCh37 (hg19) VCF-style: chr15-27017581-C-A.
Other names: c.208G>T (NM_000814.5); c.-144G>T (NM_001278631.2); c.208G>T, p.Ala70Ser (NM_021912.5); short protein forms A70S.
Identifiers: ClinVar variation 3762790 (VCV003762790.3).

ClinVar aggregate classification (germline): Uncertain significance. Review status: criteria provided, multiple submitters, no conflicts (2 of 4 stars). 2 submissions from 2 submitters: Uncertain significance (2). Last evaluated 2026-09-10.

Conditions:
Inborn genetic diseases. Identifiers: MedGen C0950123, MeSH D030342.
Epilepsy, childhood absence, susceptibility to, 1. Also called: Epilepsy, childhood absence 1. Identifiers: Orphanet 64280, MedGen C1838604, MONDO:0020759, OMIM 600131.
Epilepsy, childhood absence, susceptibility to, 5. Identifiers: Orphanet 64280, MedGen C2677087, MONDO:0012843, OMIM 612269.

gnomAD v4.1: 12 of 1,610,748 alleles (0.00074%); highest among the groups gnomAD compares: South Asian, 0.0011%; no homozygotes.

Submissions (2):

Ambry Genetics
Classification: Uncertain significance for Inborn genetic diseases. Last evaluated: 2026-09-10. Review status: criteria provided, single submitter. Criteria: Ambry Variant Classification Scheme 2023. Collection method: clinical testing. Allele origin: germline.

Labcorp Genetics (formerly Invitae), Labcorp
Classification: Uncertain significance for Epilepsy, childhood absence, susceptibility to, 5; Epilepsy, childhood absence, susceptibility to, 1. Last evaluated: 2024-07-06. Review status: criteria provided, single submitter. Criteria: Invitae Variant Classification Sherloc (09022015). Collection method: clinical testing. Allele origin: germline.
Comment: This sequence change replaces alanine, which is neutral and non-polar, with serine, which is neutral and polar, at codon 70 of the GABRB3 protein (p.Ala70Ser). The frequency data for this variant in the population databases is considered unreliable, as metrics indicate poor data quality at this position in the gnomAD database. This variant has not been reported in the literature in individuals affected with GABRB3-related conditions. Advanced modeling of protein sequence and biophysical properties (such as structural, functional, and spatial information, amino acid conservation, physicochemical variation, residue mobility, and thermodynamic stability) has been performed at Invitae for this missense variant, however the output from this modeling did not meet the statistical confidence thresholds required to predict the impact of this variant on GABRB3 protein function. In summary, the available evidence is currently insufficient to determine the role of this variant in disease. Therefore, it has been classified as a Variant of Uncertain Significance.